The following is an entry in ClinVar:

ClinVar aggregate classification (germline): Uncertain significance (1 of 4 stars; one submission).

Conditions:
Duchenne muscular dystrophy (DMD). Also called: MUSCULAR DYSTROPHY, PSEUDOHYPERTROPHIC PROGRESSIVE, DUCHENNE TYPE; Duchenne Muscular Dystrophy (DMD). Identifiers: Orphanet 98896, MedGen C0013264, MONDO:0010679, OMIM 310200.

gnomAD v4.1: 13 of 1,211,115 alleles (0.0011%); highest among the groups gnomAD compares: Non-Finnish European, 0.0015%; no homozygotes.

Submission:

Labcorp Genetics (formerly Invitae), Labcorp
Classification: Uncertain significance for Duchenne muscular dystrophy. Last evaluated: 2025-12-15. Review status: criteria provided, single submitter. Criteria: Invitae Variant Classification Sherloc (09022015). Collection method: clinical testing. Allele origin: germline.
Comment: This sequence change replaces alanine, which is neutral and non-polar, with valine, which is neutral and non-polar, at codon 2772 of the DMD protein (p.Ala2772Val). This variant is not present in population databases (gnomAD no frequency). This variant has not been reported in the literature in individuals affected with DMD-related conditions. Invitae Evidence Modeling of protein sequence and biophysical properties (such as structural, functional, and spatial information, amino acid conservation, physicochemical variation, residue mobility, and thermodynamic stability) indicates that this missense variant is not expected to disrupt DMD protein function with a negative predictive value of 95%. In summary, the available evidence is currently insufficient to determine the role of this variant in disease. Therefore, it has been classified as a Variant of Uncertain Significance.

NM_004006.3(DMD):c.8315C>T (p.Ala2772Val)

Gene: DMD (dystrophin; minus strand). Cytogenetic location: Xp21.1.
Variant type: single nucleotide variant.
Coding change: c.8315C>T on transcript NM_004006.3 (MANE Select); coding-DNA position 8315, C replaced by T.
Protein change: p.Ala2772Val; replaces alanine 2772 with valine.
Molecular consequence: missense variant.
Genome position (GRCh38, 1-based): chrX:31,507,356, G>A on the plus strand (C>T on the coding strand, the complement: DMD is on the minus strand). VCF-style: chrX-31507356-G-A. GRCh37 (hg19) VCF-style: chrX-31525473-G-A.
Other names: c.8291C>T, p.Ala2764Val (NM_000109.4); c.8303C>T, p.Ala2768Val (NM_004009.3); c.7946C>T, p.Ala2649Val (NM_004010.3); c.4292C>T, p.Ala1431Val (NM_004011.4); c.4283C>T, p.Ala1428Val (NM_004012.4); c.935C>T, p.Ala312Val (NM_004013.3, NM_004020.4, NM_004021.3 and 2 more transcripts); c.128C>T, p.Ala43Val (NM_004014.3); short protein forms A2768V, A2772V, A2764V, A312V, A1428V, A1431V, A2649V, A43V.
Identifiers: ClinVar variation 4751199 (VCV004751199.1).
Genomic context (GRCh38, chrX:31,507,356, plus strand): 5'-TTTTTCCGAAGTTCACTCCACTTGAAGTTCATGTTATCCAAACGTCTTTGTAACAGGACT[G>A]CATCATCGGAACCTTCCAGGGATCTCAGGATTTTTTGGCTGTTTTCATCCAGGTTGTGAT-3'
Protein context (NP_003997.2, residues 2762-2782): ILRSLEGSDD[Ala2772Val]VLLQRRLDNM